The following is an entry in ClinVar:

ClinVar aggregate classification (germline): Uncertain significance (0 of 4 stars; one submission).

Conditions:
CSMD1-related disorder. Also called: CSMD1-related condition.

Submission:

PreventionGenetics, part of Exact Sciences
Classification: Uncertain significance for CSMD1-related condition. Last evaluated: 2024-04-11. Review status: no assertion criteria provided. Collection method: clinical testing. Allele origin: germline.
Comment: The CSMD1 c.1394C>T variant is predicted to result in the amino acid substitution p.Thr465Ile. To our knowledge, this variant has not been reported in the literature or in a large population database, indicating this variant is rare. At this time, the clinical significance of this variant is uncertain due to the absence of conclusive functional and genetic evidence.

NM_033225.6(CSMD1):c.1394C>T (p.Thr465Ile)

Genes: CSMD1 (CUB and Sushi multiple domains 1; minus strand), LOC126860287 (BRD4-independent group 4 enhancer GRCh37_chr8:3350221-3351420; plus strand). Cytogenetic location: 8p23.2.
Variant type: single nucleotide variant.
Coding change: c.1394C>T on transcript NM_033225.6 (MANE Select); coding-DNA position 1394, C replaced by T.
Protein change: p.Thr465Ile; replaces threonine 465 with isoleucine.
Molecular consequence: missense variant.
Genome position (GRCh38, 1-based): chr8:3,493,677, G>A on the plus strand (C>T on the coding strand, the complement: CSMD1 is on the minus strand). VCF-style: chr8-3493677-G-A. GRCh37 (hg19) VCF-style: chr8-3351199-G-A.
Other names: short protein forms T465I.
Identifiers: ClinVar variation 3351790 (VCV003351790.1).